The following is an entry in ClinVar:

ClinVar aggregate classification (germline): Conflicting classifications of pathogenicity. Review status: criteria provided, conflicting classifications (1 of 4 stars). 2 submissions from 2 submitters: Uncertain significance (1); Benign (1). Last evaluated 2023-12-14.

Conditions:
Hereditary cancer-predisposing syndrome. Also called: Hereditary neoplastic syndrome; Hereditary Cancer Syndrome; Neoplastic Syndromes, Hereditary; Tumor predisposition. Identifiers: Orphanet 140162, MedGen C0027672, MeSH D009386, MONDO:0015356.
Tuberous sclerosis 2 (TSC2). Identifiers: Orphanet 805, MedGen C1860707, MONDO:0013199, OMIM 613254.

Allele frequency attached by ClinVar (database versions not stated): gnomAD exomes below 0.00001; ExAC 0.00001.
gnomAD v4.1: 1 of 1,614,122 alleles (0.000062%); no homozygotes.

Submissions (2):

Ambry Genetics
Classification: Uncertain significance for Hereditary cancer-predisposing syndrome. Last evaluated: 2023-12-14. Review status: criteria provided, single submitter. Criteria: Ambry Variant Classification Scheme 2023. Collection method: clinical testing. Allele origin: germline.
Comment: The p.S735P variant (also known as c.2203T>C), located in coding exon 19 of the TSC2 gene, results from a T to C substitution at nucleotide position 2203. The serine at codon 735 is replaced by proline, an amino acid with similar properties. This amino acid position is conserved. In addition, this alteration is predicted to be deleterious by in silico analysis. Since supporting evidence is limited at this time, the clinical significance of this alteration remains unclear.

Labcorp Genetics (formerly Invitae), Labcorp
Classification: Benign for Tuberous sclerosis 2. Last evaluated: 2022-12-06. Review status: criteria provided, single submitter. Criteria: Invitae Variant Classification Sherloc (09022015). Collection method: clinical testing. Allele origin: germline.

NM_000548.5(TSC2):c.2203T>C (p.Ser735Pro)

Gene: TSC2 (TSC complex subunit 2; plus strand). Cytogenetic location: 16p13.3.
Variant type: single nucleotide variant.
Coding change: c.2203T>C on transcript NM_000548.5 (MANE Select); coding-DNA position 2203, T replaced by C.
Protein change: p.Ser735Pro; replaces serine 735 with proline.
Molecular consequence: missense variant.
Genome position (GRCh38, 1-based): chr16:2,072,346, T>C. VCF-style: chr16-2072346-T-C. GRCh37 (hg19) VCF-style: chr16-2122347-T-C.
Other names: c.2203T>C (NM_000548.3); c.2203T>C, p.Ser735Pro (NM_001370404.1, NM_001370405.1, NM_021055.3 and 3 more transcripts); c.2092T>C, p.Ser698Pro (NM_001318827.2); c.2056T>C, p.Ser686Pro (NM_001318829.2); c.1603T>C, p.Ser535Pro (NM_001318831.2); c.2236T>C, p.Ser746Pro (NM_001318832.2); short protein forms S698P, S535P, S686P, S735P, S746P.
Identifiers: ClinVar variation 1367368 (VCV001367368.9), dbSNP rs753059579, ClinGen allele CA037096.